The following is an entry in ClinVar:

ClinVar aggregate classification (germline): Uncertain significance (1 of 4 stars; one submission).

Conditions:
Multiple acyl-CoA dehydrogenase deficiency (MADD). Also called: ETHYLMALONIC-ADIPICACIDURIA; GA II; Glutaric aciduria, type 2; Glutaric acidemia type II; GA 2; Glutaric Acidemia type 2. Identifiers: Orphanet 26791, MedGen C0268596, MONDO:0009282, OMIM 231680.

Submission:

Labcorp Genetics (formerly Invitae), Labcorp
Classification: Uncertain significance for Multiple acyl-CoA dehydrogenase deficiency. Last evaluated: 2022-09-15. Review status: criteria provided, single submitter. Criteria: Invitae Variant Classification Sherloc (09022015). Collection method: clinical testing. Allele origin: germline.
Comment: This sequence change replaces glycine, which is neutral and non-polar, with aspartic acid, which is acidic and polar, at codon 33 of the ETFB protein (p.Gly33Asp). This variant is not present in population databases (gnomAD no frequency). This variant has not been reported in the literature in individuals affected with ETFB-related conditions. Advanced modeling of protein sequence and biophysical properties (such as structural, functional, and spatial information, amino acid conservation, physicochemical variation, residue mobility, and thermodynamic stability) performed at Invitae indicates that this missense variant is not expected to disrupt ETFB protein function. In summary, the available evidence is currently insufficient to determine the role of this variant in disease. Therefore, it has been classified as a Variant of Uncertain Significance.

NM_001985.3(ETFB):c.98G>A (p.Gly33Asp)

Gene: ETFB (electron transfer flavoprotein subunit beta; minus strand). Cytogenetic location: 19q13.41.
Variant type: single nucleotide variant.
Coding change: c.98G>A on transcript NM_001985.3 (MANE Select); coding-DNA position 98, G replaced by A.
Protein change: p.Gly33Asp; replaces glycine 33 with aspartic acid.
Molecular consequence: missense variant.
Genome position (GRCh38, 1-based): chr19:51,354,268, C>T on the plus strand (G>A on the coding strand, the complement: ETFB is on the minus strand). VCF-style: chr19-51354268-C-T. GRCh37 (hg19) VCF-style: chr19-51857522-C-T.
Other names: c.371G>A, p.Gly124Asp (NM_001014763.1); short protein forms G124D, G33D.
Identifiers: ClinVar variation 1968435 (VCV001968435.2), dbSNP rs368139326, ClinGen allele CA407083436.